The following is an entry in ClinVar:

NM_001282531.3(ADNP):c.1362G>A (p.Glu454=)

Gene: ADNP (activity dependent neuroprotector homeobox; minus strand). Cytogenetic location: 20q13.13.
Variant type: single nucleotide variant.
Coding change: c.1362G>A on transcript NM_001282531.3 (MANE Select); coding-DNA position 1362, G replaced by A.
Protein change: p.Glu454=; no amino-acid change (glutamic acid 454 retained).
Molecular consequence: synonymous variant.
Genome position (GRCh38, 1-based): chr20:50,893,352, C>T on the plus strand (G>A on the coding strand, the complement: ADNP is on the minus strand). VCF-style: chr20-50893352-C-T. GRCh37 (hg19) VCF-style: chr20-49509889-C-T.
Other names: c.1362G>A, p.Glu454= (NM_001282532.2, NM_001347511.2, NM_015339.5 and 1 more transcripts).
Identifiers: ClinVar variation 2867983 (VCV002867983.3), dbSNP rs767780345, ClinGen allele CA9908730.

ClinVar aggregate classification (germline): Uncertain significance (1 of 4 stars; one submission).

Allele frequency attached by ClinVar (database versions not stated): ExAC 0.00001; gnomAD exomes 0.00001; TOPMed 0.00001.
gnomAD v4.1: 4 of 1,614,186 alleles (0.00025%); highest among the groups gnomAD compares: Admixed American, 0.0067%; no homozygotes.

Submission:

Labcorp Genetics (formerly Invitae), Labcorp
Classification: Uncertain significance. Last evaluated: 2023-08-20. Review status: criteria provided, single submitter. Criteria: Invitae Variant Classification Sherloc (09022015). Collection method: clinical testing. Allele origin: germline.
Comment: This sequence change affects codon 454 of the ADNP mRNA. It is a 'silent' change, meaning that it does not change the encoded amino acid sequence of the ADNP protein. This variant is present in population databases (rs767780345, gnomAD 0.01%). This variant has not been reported in the literature in individuals affected with ADNP-related conditions. In summary, the available evidence is currently insufficient to determine the role of this variant in disease. Therefore, it has been classified as a Variant of Uncertain Significance.